The following is an entry in ClinVar:

ClinVar aggregate classification (germline): Uncertain significance (1 of 4 stars; one submission).

Conditions:
Ehlers-Danlos syndrome, classic type, 1 (EDSCL1). Also called: EHLERS-DANLOS SYNDROME, GRAVIS TYPE; EHLERS-DANLOS SYNDROME, SEVERE CLASSIC TYPE; Ehlers-Danlos syndrome, type 1; Ehlers-Danlos Syndrome, Classic Type, COL5A1-Related; EDS I. Identifiers: MedGen C0268335, MONDO:0019567, OMIM 130000.

Submission:

Labcorp Genetics (formerly Invitae), Labcorp
Classification: Uncertain significance for Ehlers-Danlos syndrome, classic type, 1. Last evaluated: 2025-09-14. Review status: criteria provided, single submitter. Criteria: Invitae Variant Classification Sherloc (09022015). Collection method: clinical testing. Allele origin: germline.
Comment: This sequence change replaces glycine, which is neutral and non-polar, with alanine, which is neutral and non-polar, at codon 1490 of the COL5A2 protein (p.Gly1490Ala). This variant is not present in population databases (gnomAD no frequency). This variant has not been reported in the literature in individuals affected with COL5A2-related conditions. Invitae Evidence Modeling of protein sequence and biophysical properties (such as structural, functional, and spatial information, amino acid conservation, physicochemical variation, residue mobility, and thermodynamic stability) indicates that this missense variant is not expected to disrupt COL5A2 protein function with a negative predictive value of 80%. In summary, the available evidence is currently insufficient to determine the role of this variant in disease. Therefore, it has been classified as a Variant of Uncertain Significance.

NM_000393.5(COL5A2):c.4469G>C (p.Gly1490Ala)

Gene: COL5A2 (collagen type V alpha 2 chain; minus strand). Cytogenetic location: 2q32.2.
Variant type: single nucleotide variant.
Coding change: c.4469G>C on transcript NM_000393.5 (MANE Select); coding-DNA position 4469, G replaced by C.
Protein change: p.Gly1490Ala; replaces glycine 1490 with alanine.
Molecular consequence: missense variant.
Genome position (GRCh38, 1-based): chr2:189,034,101, C>G on the plus strand (G>C on the coding strand, the complement: COL5A2 is on the minus strand). VCF-style: chr2-189034101-C-G. GRCh37 (hg19) VCF-style: chr2-189898827-C-G.
Other names: short protein forms G1490A.
Identifiers: ClinVar variation 4742613 (VCV004742613.1).